The following is an entry in ClinVar:

ClinVar aggregate classification (germline): Benign. Review status: criteria provided, multiple submitters, no conflicts (2 of 4 stars). 3 submissions from 3 submitters: Benign (3). Last evaluated 2026-09-21.

Allele frequency attached by ClinVar (database versions not stated): gnomAD 0.65268 and 0.65780; 1000 Genomes Project 30x 0.50281; ExAC 0.66567; 1000 Genomes Project 0.50399; gnomAD exomes 0.75392 and 0.65923; TOPMed 0.62061; ESP Exome Variant Server 0.68415.
gnomAD v4.1: 1,199,605 of 1,613,752 alleles (74%); highest among the groups gnomAD compares: Non-Finnish European, 80%; 459,507 homozygotes.

Submissions (3):

Molecular Diagnostic Laboratory for Inherited Cardiovascular Disease, Montreal Heart Institute
Classification: Benign. Last evaluated: 2026-09-21. Review status: criteria provided, single submitter. Criteria: ACMG Guidelines, 2015. Collection method: clinical testing. Allele origin: germline. Affected: no.
Comment: BA1

GeneDx
Classification: Benign. Last evaluated: 2018-06-26. Review status: criteria provided, single submitter. Criteria: GeneDx Variant Classification Process June 2021. Collection method: clinical testing. Allele origin: germline. Affected: yes.

Breakthrough Genomics
Classification: Benign. Review status: criteria provided, single submitter. Criteria: ACMG Guidelines, 2015. Collection method: not provided. Allele origin: germline. Inheritance: Autosomal recessive inheritance. Affected: yes.

NM_001267550.2(TTN):c.9305+31A>G

Gene: TTN (titin; minus strand). Cytogenetic location: 2q31.2.
Variant type: single nucleotide variant.
Coding change: c.9305+31A>G on transcript NM_001267550.2 (MANE Select); 31 bases into the intron after coding-DNA position 9305, A replaced by G.
Molecular consequence: intron variant.
Genome position (GRCh38, 1-based): chr2:178,767,983, T>C on the plus strand (A>G on the coding strand, the complement: TTN is on the minus strand). VCF-style: chr2-178767983-T-C. GRCh37 (hg19) VCF-style: chr2-179632710-T-C.
Other names: c.9167+31A>G (NM_003319.4, NM_133437.4, NM_133432.3); c.9305+31A>G (NM_133378.4, NM_001256850.1, NM_133379.5).
Identifiers: ClinVar variation 1230125 (VCV001230125.5), dbSNP rs2291313, ClinGen allele CA2004377.